The following is an entry in ClinVar:

ClinVar aggregate classification (germline): Uncertain significance (1 of 4 stars; one submission).

gnomAD v4.1: 1 of 1,611,722 alleles (0.000062%); highest among the groups gnomAD compares: Admixed American, 0.0017%; no homozygotes.

Submission:

Labcorp Genetics (formerly Invitae), Labcorp
Classification: Uncertain significance. Last evaluated: 2025-12-17. Review status: criteria provided, single submitter. Criteria: Invitae Variant Classification Sherloc (09022015). Collection method: clinical testing. Allele origin: germline.
Comment: This sequence change replaces arginine, which is basic and polar, with tryptophan, which is neutral and slightly polar, at codon 942 of the SLC12A6 protein (p.Arg942Trp). This variant is present in population databases (no rsID available, gnomAD 0.003%). This variant has not been reported in the literature in individuals affected with SLC12A6-related conditions. Invitae Evidence Modeling of protein sequence and biophysical properties (such as structural, functional, and spatial information, amino acid conservation, physicochemical variation, residue mobility, and thermodynamic stability) indicates that this missense variant is expected to disrupt SLC12A6 protein function with a positive predictive value of 80%. In summary, the available evidence is currently insufficient to determine the role of this variant in disease. Therefore, it has been classified as a Variant of Uncertain Significance.

NM_001365088.1(SLC12A6):c.2824C>T (p.Arg942Trp)

Gene: SLC12A6 (solute carrier family 12 member 6; minus strand). Cytogenetic location: 15q14.
Variant type: single nucleotide variant.
Coding change: c.2824C>T on transcript NM_001365088.1 (MANE Select); coding-DNA position 2824, C replaced by T.
Protein change: p.Arg942Trp; replaces arginine 942 with tryptophan.
Molecular consequence: missense variant.
Genome position (GRCh38, 1-based): chr15:34,237,529, G>A on the plus strand (C>T on the coding strand, the complement: SLC12A6 is on the minus strand). VCF-style: chr15-34237529-G-A. GRCh37 (hg19) VCF-style: chr15-34529730-G-A.
Other names: c.2647C>T, p.Arg883Trp (NM_001042494.2, NM_001042495.2); c.2797C>T, p.Arg933Trp (NM_001042496.2); c.2779C>T, p.Arg927Trp (NM_001042497.2); c.2671C>T, p.Arg891Trp (NM_005135.2); c.2824C>T, p.Arg942Trp (NM_133647.2); short protein forms R883W, R927W, R942W, R891W, R933W.
Identifiers: ClinVar variation 4700664 (VCV004700664.1).
Genomic context (GRCh38, chr15:34,237,529, plus strand): 5'-TGGCTAGGTCCTTCTTCATTTGGATACTGTTGTCTTCTAATTGGGCTACTGTGAAGATCC[G>A]TATGCTGCACTTTCGCCACACCTGAGAGAGTGACATACACATGTGAAAAATTAGAGCAAG-3'
Protein context (NP_001352017.1, residues 932-952): QHKVWRKCSI[Arg942Trp]IFTVAQLEDN